The following is an entry in ClinVar:

NM_001080432.3(FTO):c.123+1G>A

Gene: FTO (FTO alpha-ketoglutarate dependent dioxygenase; plus strand). Cytogenetic location: 16q12.2.
Variant type: single nucleotide variant.
Coding change: c.123+1G>A on transcript NM_001080432.3 (MANE Select); the canonical splice donor site of the intron after coding-DNA position 123, G replaced by A.
Molecular consequence: splice donor variant. On other transcripts: intron variant (1).
Genome position (GRCh38, 1-based): chr16:53,810,218, G>A. VCF-style: chr16-53810218-G-A. GRCh37 (hg19) VCF-style: chr16-53844130-G-A.
Other names: c.-570+1G>A (NM_001363905.2); c.123+1G>A (NM_001363891.2, NM_001363898.2, NM_001363899.2 and 9 more transcripts); c.46-15646G>A (NM_001363897.2).
Identifiers: ClinVar variation 4809748 (VCV004809748.1).

ClinVar aggregate classification (germline): Uncertain significance (1 of 4 stars; one submission).

gnomAD v4.1: 2 of 1,588,868 alleles (0.00013%); highest among the groups gnomAD compares: Non-Finnish European, 0.00017%; no homozygotes.

Submission:

Labcorp Genetics (formerly Invitae), Labcorp
Classification: Uncertain significance. Last evaluated: 2026-02-02. Review status: criteria provided, single submitter. Criteria: Invitae Variant Classification Sherloc (09022015). Collection method: clinical testing. Allele origin: germline.
Comment: This sequence change affects a donor splice site in intron 2 of the FTO gene. It is expected to disrupt RNA splicing. Variants that disrupt the donor or acceptor splice site typically lead to a loss of protein function (PMID: 16199547), however the current clinical and genetic evidence is not sufficient to establish whether loss-of-function variants in FTO cause disease. This variant is not present in population databases (gnomAD no frequency). This variant has not been reported in the literature in individuals affected with FTO-related conditions. Algorithms developed to predict the effect of sequence changes on RNA splicing suggest that this variant may disrupt the consensus splice site. In summary, the available evidence is currently insufficient to determine the role of this variant in disease. Therefore, it has been classified as a Variant of Uncertain Significance.

Literature cited by the submitters: PubMed 16199547.